The following is an entry in ClinVar:

NM_000540.3(RYR1):c.10556C>T (p.Pro3519Leu)

Gene: RYR1 (ryanodine receptor 1; plus strand). Cytogenetic location: 19q13.2.
Variant type: single nucleotide variant.
Coding change: c.10556C>T on transcript NM_000540.3 (MANE Select); coding-DNA position 10556, C replaced by T.
Protein change: p.Pro3519Leu; replaces proline 3519 with leucine.
Molecular consequence: missense variant.
Genome position (GRCh38, 1-based): chr19:38,525,432, C>T. VCF-style: chr19-38525432-C-T. GRCh37 (hg19) VCF-style: chr19-39016072-C-T.
Other names: NM_000540.3(RYR1):c.10556C>T; p.Pro3519Leu; c.10541C>T, p.Pro3514Leu (NM_001042723.2); short protein forms P3514L, P3519L.
Identifiers: ClinVar variation 803555 (VCV000803555.5), dbSNP rs1600921854, ClinGen allele CA405643726.
Genomic context (GRCh38, chr19:38,525,432, plus strand): 5'-GGGGGGACCGGTACTCTGTGCAGACGTCACTGATCGTGGCCACACTGAAGAAGATGCTGC[C>T]CATCGGCCTGAATATGTGTGCGCCCACCGACCAAGACCTCATCACGCTGGCCAAGACCCG-3'
Protein context (NP_000531.2, residues 3509-3529): LIVATLKKML[Pro3519Leu]IGLNMCAPTD

ClinVar aggregate classification (germline): Uncertain significance. Review status: reviewed by expert panel (3 of 4 stars). 2 submissions from 2 submitters: Uncertain significance (1). 1 of the submissions does not count toward it. Last evaluated 2025-08-01.

Conditions:
Congenital multicore myopathy with external ophthalmoplegia (CMYO1B). Also called: MULTICORE MYOPATHY; MULTIMINICORE DISEASE WITH EXTERNAL OPHTHALMOPLEGIA; Congenital myopathy 1B, autosomal recessive; Minicore myopathy; Minicore myopathy with external ophthalmoplegia. Identifiers: Orphanet 598, Orphanet 98905, MedGen C1850674, MONDO:0009712, OMIM 255320, HP:0003789.
Malignant hyperthermia, susceptibility to, 1 (MHS1). Also called: Malignant hyperthermia suceptibility 1; Anesthesia related hyperthermia; Malignant hyperpyrexia; Fulminating hyperpyrexia; Pharmacogenic myopathy; RYR1-Related Malignant Hyperthermia Susceptibility. Identifiers: Orphanet 423, MedGen C2930980, MONDO:0007783, OMIM 145600.

gnomAD v4.1: 1 of 1,613,958 alleles (0.000062%); no homozygotes.

Submissions (2):

ClinGen Malignant Hyperthermia Susceptibility Variant Curation Expert Panel, ClinGen
Classification: Uncertain significance for Malignant hyperthermia, susceptibility to, 1. Last evaluated: 2025-08-01. Review status: reviewed by expert panel. Criteria: ClinGen MHS ACMG Specifications V2. Collection method: curation. Allele origin: germline. Inheritance: Autosomal dominant inheritance.
Comment: This pathogenicity assessment is relevant only for malignant hyperthermia susceptibility (MHS) inherited in an autosomal dominant pattern. Variants in RYR1 can also cause other myopathies inherited in an autosomal dominant pattern or in an autosomal recessive pattern. Some of these disorders may predispose individuals to malignant hyperthermia. RYR1 variants may also contribute to a malignant hyperthermia reaction in combination with other genetic and non-genetic factors and the clinician needs to consider such factors in making management decisions. This sequence variant predicts a substitution of proline with leucine at codon 3519 of the RYR1 protein, p.(Pro3519Leu). This variant is not present in a large population database (gnomAD) at the time this variant was interpreted. No functional studies were identified for this variant. This variant does not reside in a hotspot for pathogenic variants that contribute to MHS. A REVEL score of 0.809 supports neither a pathogenic nor a benign status for this variant. This variant has been classified as a Variant of Unknown Significance. No criteria were implemented.

Mendelics
Classification: Likely pathogenic for Congenital multicore myopathy with external ophthalmoplegia. Last evaluated: 2025-11-17. Review status: criteria provided, single submitter. Criteria: Mendelics Assertion Criteria 2017. Collection method: clinical testing. Allele origin: unknown. Not counted in ClinVar's aggregate classification.
Comment: Variant NM_000540.3(RYR1):c.10556C>T (p.Pro3519Leu) has GnomAD v4.1.0 frequency of 6.196e-7 with only one allele listed. The position where this change occurs is highly conserved in several biological species and has not been previously described in the medical literature. A variant leading to the substitution of proline at position 3527 (Var ID 12983) for serine has been previously associated, in compound heterozygosity with another variant, with multiminicore myopathy (PMID: 12112081). The combination of the molecular mechanism, characteristics of the region where it is located, and the correlation of this gene with clinical symptoms suggest that this variant is probably pathogenic.

Literature cited by the submitters: PubMed 12112081 (cited by Mendelics).